The following is an entry in ClinVar:

NM_000290.4(PGAM2):c.628C>G (p.Leu210Val)

Genes: DBNL (drebrin like; plus strand), PGAM2 (phosphoglycerate mutase 2; minus strand). Cytogenetic location: 7p13.
Variant type: single nucleotide variant.
Coding change: c.628C>G on transcript NM_000290.4 (MANE Select); coding-DNA position 628, C replaced by G.
Protein change: p.Leu210Val; replaces leucine 210 with valine.
Molecular consequence: missense variant. On other transcripts: 3 prime UTR variant (6).
Genome position (GRCh38, 1-based): chr7:44,062,898, G>C on the plus strand (C>G on the coding strand, the complement: PGAM2 is on the minus strand). VCF-style: chr7-44062898-G-C. GRCh37 (hg19) VCF-style: chr7-44102497-G-C.
Other names: c.*1982G>C (NM_001014436.3, NM_001122956.2, NM_001284313.2 and 3 more transcripts); short protein forms L210V.
Identifiers: ClinVar variation 4763196 (VCV004763196.1).

ClinVar aggregate classification (germline): Uncertain significance (1 of 4 stars; one submission).

Conditions:
Glycogen storage disease type X (GSD10). Also called: GSD X; MYOPATHY DUE TO PHOSPHOGLYCERATE MUTASE DEFICIENCY; PGAMM DEFICIENCY; PHOSPHOGLYCERATE MUTASE, MUSCLE, DEFICIENCY OF; Dimauro disease; Glycogen storage disease due to phosphoglycerate mutase deficiency. Identifiers: Orphanet 97234, MedGen C0268149, MONDO:0009865, OMIM 261670.

Submission:

Labcorp Genetics (formerly Invitae), Labcorp
Classification: Uncertain significance for Glycogen storage disease type X. Last evaluated: 2025-05-03. Review status: criteria provided, single submitter. Criteria: Invitae Variant Classification Sherloc (09022015). Collection method: clinical testing. Allele origin: germline.
Comment: This sequence change replaces leucine, which is neutral and non-polar, with valine, which is neutral and non-polar, at codon 210 of the PGAM2 protein (p.Leu210Val). This variant is not present in population databases (gnomAD no frequency). This variant has not been reported in the literature in individuals affected with PGAM2-related conditions. Invitae Evidence Modeling of protein sequence and biophysical properties (such as structural, functional, and spatial information, amino acid conservation, physicochemical variation, residue mobility, and thermodynamic stability) indicates that this missense variant is not expected to disrupt PGAM2 protein function with a negative predictive value of 80%. In summary, the available evidence is currently insufficient to determine the role of this variant in disease. Therefore, it has been classified as a Variant of Uncertain Significance.